The following is an entry in ClinVar:

ClinVar aggregate classification (germline): Likely benign (0 of 4 stars; one submission).

Conditions:
RAI1-related disorder. Also called: RAI1-related condition.

Allele frequency attached by ClinVar (database versions not stated): gnomAD exomes below 0.00001; gnomAD 0.00001; TOPMed 0.00001.

Submission:

PreventionGenetics, part of Exact Sciences
Classification: Likely benign for RAI1-related condition. Last evaluated: 2021-10-17. Review status: no assertion criteria provided. Collection method: clinical testing. Allele origin: germline.
Comment: This variant is classified as likely benign based on ACMG/AMP sequence variant interpretation guidelines (Richards et al. 2015 PMID: 25741868, with internal and published modifications).

NM_030665.4(RAI1):c.540G>A (p.Gln180=)

Gene: RAI1 (retinoic acid induced 1; plus strand). Cytogenetic location: 17p11.2.
Variant type: single nucleotide variant.
Coding change: c.540G>A on transcript NM_030665.4 (MANE Select); coding-DNA position 540, G replaced by A.
Protein change: p.Gln180=; no amino-acid change (glutamine 180 retained).
Molecular consequence: synonymous variant.
Genome position (GRCh38, 1-based): chr17:17,793,488, G>A. VCF-style: chr17-17793488-G-A. GRCh37 (hg19) VCF-style: chr17-17696802-G-A.
Identifiers: ClinVar variation 3058608 (VCV003058608.2), dbSNP rs1327779339, ClinGen allele CA498422741.